The following is an entry in ClinVar:

NM_002693.3(POLG):c.2751dup (p.Trp918fs)

Gene: POLG (DNA polymerase gamma, catalytic subunit; minus strand). Cytogenetic location: 15q26.1.
Variant type: Duplication.
Coding change: c.2751dup on transcript NM_002693.3 (MANE Select); coding-DNA position 2751, one base duplicated (G; older notation c.2751dupG).
Protein change: p.Trp918fs; shifts the reading frame from tryptophan 918.
Molecular consequence: frameshift variant.
Genome position (GRCh38, 1-based): chr15:89,320,996, C duplicated on the plus strand (G on the coding strand, the reverse complement: POLG is on the minus strand); the first of 3 consecutive C bases (chr15:89,320,996-89,320,998); duplicating any one gives the same sequence. VCF-style (leftmost placement, unchanged base first): chr15-89320995-A-AC. GRCh37 (hg19) VCF-style: chr15-89864226-A-AC.
Other names: c.2751dup, p.Trp918fs (NM_001126131.2); short protein forms W918fs.
Identifiers: ClinVar variation 5013066 (VCV005013066.1).

ClinVar aggregate classification (germline): Pathogenic (1 of 4 stars; one submission).

Conditions:
POLG-related disorder. Also called: POLG-Related Spectrum Disorders; POLG-related condition; POLG-Related Disorders. Identifiers: MedGen C4763519.

Submission:

Myriad Genetics, Inc.
Classification: Pathogenic for POLG-related disorder. Last evaluated: 2024-05-16. Review status: criteria provided, single submitter. Criteria: Myriad Autosomal Dominant, Autosomal Recessive and X-Linked Classification Criteria (2023). Collection method: clinical testing. Allele origin: unknown.
Comment: NM_002693.2(POLG):c.2751dupG(W918Vfs*13) is expected to be pathogenic in the context of POLG-related disorders. This variant is predicted to lead to an abnormal or absent protein product due to the creation of a premature termination codon in POLG, a gene where loss-of-function variants are known to be pathogenic. Please note: this variant was assessed in the context of healthy population screening.